The following is an entry in ClinVar:

ClinVar aggregate classification (germline): Likely pathogenic (1 of 4 stars; one submission).

Conditions:
Hereditary cancer-predisposing syndrome. Also called: Hereditary neoplastic syndrome; Hereditary Cancer Syndrome; Neoplastic Syndromes, Hereditary; Tumor predisposition. Identifiers: Orphanet 140162, MedGen C0027672, MeSH D009386, MONDO:0015356.

Submission:

Ambry Genetics
Classification: Likely pathogenic for Hereditary cancer-predisposing syndrome. Last evaluated: 2023-04-27. Review status: criteria provided, single submitter. Criteria: Ambry Variant Classification Scheme 2023. Collection method: clinical testing. Allele origin: germline.
Comment: The c.1959-2A>C intronic variant results from an A to C substitution two nucleotides upstream from coding exon 15 in the APC gene. This alteration has been observed in at least one individual with a personal and/or family history that is consistent with APC-related disease (Ambry internal data). This nucleotide position is highly conserved in available vertebrate species. In silico splice site analysis predicts that this alteration will weaken the native splice acceptor site and may result in the creation or strengthening of a novel splice acceptor site; however, direct evidence is insufficient at this time (Ambry internal data). This variant is considered to be rare based on population cohorts in the Genome Aggregation Database (gnomAD). Alterations that disrupt the canonical splice site are expected to result in aberrant splicing. Another alteration impacting the same acceptor site (c.1959-2A>G) has been described in an individual with an attenuated FAP phenotype and was demonstrated to result in use of a cryptic splice acceptor site, causing an in-frame deletion of the first four codons of exon 15 (Aretz S et al, Hum. Mutat. 2004 Nov; 24(5):370-80). Based on the majority of available evidence to date, this variant is likely to be pathogenic.

Literature cited by the submitters: PubMed 15459959.

NM_000038.6(APC):c.1959-2A>C

Gene: APC (APC regulator of Wnt signaling pathway; plus strand). Cytogenetic location: 5q22.2.
Variant type: single nucleotide variant.
Coding change: c.1959-2A>C on transcript NM_000038.6 (MANE Select); the canonical splice acceptor site of the intron before coding-DNA position 1959, A replaced by C.
Molecular consequence: splice acceptor variant.
Genome position (GRCh38, 1-based): chr5:112,837,551, A>C. VCF-style: chr5-112837551-A-C. GRCh37 (hg19) VCF-style: chr5-112173248-A-C.
Other names: c.1938-2A>C (NM_001407451.1); c.1884-2A>C (NM_001354898.2); c.1581-2A>C (NM_001354904.2); c.1110-2A>C (NM_001354906.2, NM_001407470.1); c.807-2A>C (NM_001407471.1, NM_001407472.1); c.2013-2A>C (NM_001354896.2, NM_001407447.1, NM_001407448.1 and 1 more transcripts); c.1710-2A>C (NM_001407454.1, NM_001407456.1, NM_001407457.1 and 1 more transcripts); c.1656-2A>C (NM_001354903.2, NM_001407460.1, NM_001407458.1 and 1 more transcripts); and 11 more.
Identifiers: ClinVar variation 2566963 (VCV002566963.2), dbSNP rs876658214, ClinGen allele CA360617492.